The following is an entry in ClinVar:

ClinVar aggregate classification (germline): Uncertain significance (1 of 4 stars; one submission).

Conditions:
Congenital insensitivity to pain-hypohidrosis syndrome. Also called: HSAN VIII; Neuropathy, hereditary sensory and autonomic, type VIII. Identifiers: Orphanet 478664, MedGen C4225308, MONDO:0014662, OMIM 616488.

Submission:

Labcorp Genetics (formerly Invitae), Labcorp
Classification: Uncertain significance for Congenital insensitivity to pain-hypohidrosis syndrome. Last evaluated: 2022-06-15. Review status: criteria provided, single submitter. Criteria: Invitae Variant Classification Sherloc (09022015). Collection method: clinical testing. Allele origin: germline.
Comment: This sequence change replaces histidine, which is basic and polar, with glutamine, which is neutral and polar, at codon 341 of the PRDM12 protein (p.His341Gln). The frequency data for this variant in the population databases is considered unreliable, as metrics indicate insufficient coverage at this position in the gnomAD database. This variant has not been reported in the literature in individuals affected with PRDM12-related conditions. Algorithms developed to predict the effect of missense changes on protein structure and function are either unavailable or do not agree on the potential impact of this missense change (SIFT: "Tolerated"; PolyPhen-2: "Not Available"; Align-GVGD: "Class C0"). In summary, the available evidence is currently insufficient to determine the role of this variant in disease. Therefore, it has been classified as a Variant of Uncertain Significance.

NM_021619.3(PRDM12):c.1023C>A (p.His341Gln)

Gene: PRDM12 (PR/SET domain 12; plus strand). Cytogenetic location: 9q34.12.
Variant type: single nucleotide variant.
Coding change: c.1023C>A on transcript NM_021619.3 (MANE Select); coding-DNA position 1023, C replaced by A.
Protein change: p.His341Gln; replaces histidine 341 with glutamine.
Molecular consequence: missense variant.
Genome position (GRCh38, 1-based): chr9:130,681,588, C>A. VCF-style: chr9-130681588-C-A. GRCh37 (hg19) VCF-style: chr9-133556975-C-A.
Other names: short protein forms H341Q.
Identifiers: ClinVar variation 2006868 (VCV002006868.4), dbSNP rs1172049546, ClinGen allele CA375245195.
Genomic context (GRCh38, chr9:130,681,588, plus strand): 5'-GCGGCACCGGCCGCCCAGCACCGCGCTGCAGGCACACTCGCCCGCGCTGCCCGCCCCGCA[C>A]GCGCACGCGCCCGCGCTCGCCGCCGCCGCCGCCGCCGCCGCCGCCGCCGCCGCGCACCAC-3'
Protein context (NP_067632.2, residues 331-351): QAHSPALPAP[His341Gln]AHAPALAAAA